The following is an entry in ClinVar:

ClinVar aggregate classification (germline): Pathogenic (1 of 4 stars; one submission).

Conditions:
4p partial monosomy syndrome (WHS). Also called: CHROMOSOME 4p16.3 DELETION SYNDROME; PITT SYNDROME; Wolf-Hirschhorn syndrome; WITTWER SYNDROME. Identifiers: Orphanet 280, MedGen C1956097, MONDO:0008684, OMIM 194190.

Submission:

Department of Medical Genetics, Ordu University Medical School Training and Research Hospital
Classification: Pathogenic for Wolf-Hirschhorn syndrome. Last evaluated: 2026-07-30. Review status: criteria provided, single submitter. Criteria: ACMG/ClinGen CNV Guidelines, 2019. Collection method: clinical testing. Allele origin: de novo. Affected: yes. Observed: 1 variant allele.
Comment: Approximately 14.7 Mb terminal 4p16.3p15.33 loss detected by prenatal chromosomal microarray and confirmed by FISH; shown to be de novo. The interval completely contains the Wolf-Hirschhorn syndrome critical region, including NSD2, which has a ClinGen haploinsufficiency score of 3. Scored using the ACMG/ClinGen technical standard for copy-number variant interpretation: established pathogenic region completely contained within the interval.

GRCh38/hg38 4p16.3-15.33(chr4:68454-14787788)x1

Genes: ABLIM2 (actin binding LIM protein family member 2; minus strand), ACOX3 (acyl-CoA oxidase 3, pristanoyl; minus strand), ADD1 (adducin 1; plus strand), ADRA2C (adrenoceptor alpha 2C; plus strand), AFAP1 (actin filament associated protein 1; minus strand) and 608 more. Cytogenetic location: 4p16.3-15.33.
Variant type: copy number loss.
Change: copy number 1 (one copy instead of two) of chr4:68,454-14,787,788 (14.72 Mb, GRCh38 coordinates, 1-based), cytogenetic band 4p16.3-15.33.
Identifiers: ClinVar variation 4880505 (VCV004880505.1).